The following is an entry in ClinVar:

NM_006420.3(ARFGEF2):c.3599G>A (p.Arg1200Gln)

Gene: ARFGEF2 (ARF guanine nucleotide exchange factor 2; plus strand). Cytogenetic location: 20q13.13.
Variant type: single nucleotide variant.
Coding change: c.3599G>A on transcript NM_006420.3 (MANE Select); coding-DNA position 3599, G replaced by A.
Protein change: p.Arg1200Gln; replaces arginine 1200 with glutamine.
Molecular consequence: missense variant.
Genome position (GRCh38, 1-based): chr20:49,010,246, G>A. VCF-style: chr20-49010246-G-A. GRCh37 (hg19) VCF-style: chr20-47626783-G-A.
Other names: c.3596G>A, p.Arg1199Gln (NM_001410846.1); c.3599G>A (NM_006420.2); short protein forms R1199Q, R1200Q.
Identifiers: ClinVar variation 2190822 (VCV002190822.5), dbSNP rs1180535589, ClinGen allele CA409320355.

ClinVar aggregate classification (germline): Uncertain significance. Review status: criteria provided, multiple submitters, no conflicts (2 of 4 stars). 2 submissions from 2 submitters: Uncertain significance (2). Last evaluated 2025-11-03.

Conditions:
Inborn genetic diseases. Identifiers: MedGen C0950123, MeSH D030342.

Allele frequency attached by ClinVar (database versions not stated): gnomAD 0.00001; TOPMed 0.00005; gnomAD exomes 0.00001.
gnomAD v4.1: 10 of 1,613,760 alleles (0.00062%); highest among the groups gnomAD compares: Admixed American, 0.0067%; no homozygotes.

Submissions (2):

Ambry Genetics
Classification: Uncertain significance for Inborn genetic diseases. Last evaluated: 2025-11-03. Review status: criteria provided, single submitter. Criteria: Ambry Variant Classification Scheme 2023. Collection method: clinical testing. Allele origin: germline.

Labcorp Genetics (formerly Invitae), Labcorp
Classification: Uncertain significance. Last evaluated: 2022-05-25. Review status: criteria provided, single submitter. Criteria: Invitae Variant Classification Sherloc (09022015). Collection method: clinical testing. Allele origin: germline.
Comment: In summary, the available evidence is currently insufficient to determine the role of this variant in disease. Therefore, it has been classified as a Variant of Uncertain Significance. Algorithms developed to predict the effect of missense changes on protein structure and function are either unavailable or do not agree on the potential impact of this missense change (SIFT: "Tolerated"; PolyPhen-2: "Probably Damaging"; Align-GVGD: "Class C0"). This variant has not been reported in the literature in individuals affected with ARFGEF2-related conditions. This variant is present in population databases (no rsID available, gnomAD 0.003%). This sequence change replaces arginine, which is basic and polar, with glutamine, which is neutral and polar, at codon 1200 of the ARFGEF2 protein (p.Arg1200Gln).